The following is an entry in ClinVar:

ClinVar aggregate classification (germline): Likely pathogenic (1 of 4 stars; one submission).

Conditions:
Usher syndrome type 2A. Also called: RETINAL DISEASE IN USHER SYNDROME TYPE IIA, MODIFIER OF; USHER SYNDROME, TYPE IIA. Identifiers: Orphanet 231178, Orphanet 886, MedGen C1848634, MONDO:0010169, OMIM 276901.

Submission:

Natera, Inc.
Classification: Likely pathogenic for Usher syndrome type 2A. Last evaluated: 2024-09-06. Review status: criteria provided, single submitter. Criteria: Natera Variant Classification Schema (03/2026). Collection method: clinical testing. Allele origin: germline.
Comment: The c.8285dup variant in USH2A is a frameshift variant predicted to shift the reading frame and introduce a stop codon. This variant is expected to result in nonsense mediated decay, truncation, or a dysfunctional protein product. This variant is rare in the general population with a frequency below the threshold expected for the associated phenotype(s). Given the available evidence, this variant is classified as Likely Pathogenic.

NM_206933.4(USH2A):c.8285dup (p.Pro2762_Asp2763insTer)

Gene: USH2A (usherin; minus strand). Cytogenetic location: 1q41.
Variant type: Duplication.
Coding change: c.8285dup on transcript NM_206933.4 (MANE Select); coding-DNA position 8285, one base duplicated (C; older notation c.8285dupC).
Protein change: p.Pro2762_Asp2763insTer.
Molecular consequence: frameshift variant.
Genome position (GRCh38, 1-based): chr1:215,879,037, G duplicated on the plus strand (C on the coding strand, the reverse complement: USH2A is on the minus strand); the first of 2 consecutive G bases (chr1:215,879,037-215,879,038); duplicating either gives the same sequence. VCF-style (leftmost placement, unchanged base first): chr1-215879036-A-AG. GRCh37 (hg19) VCF-style: chr1-216052378-A-AG.
Identifiers: ClinVar variation 4817155 (VCV004817155.1).